The following is an entry in ClinVar:

NM_025179.4(PLXNA2):c.2854G>A (p.Val952Met)

Gene: PLXNA2 (plexin A2; minus strand). Cytogenetic location: 1q32.2.
Variant type: single nucleotide variant.
Coding change: c.2854G>A on transcript NM_025179.4 (MANE Select); coding-DNA position 2854, G replaced by A.
Protein change: p.Val952Met; replaces valine 952 with methionine.
Molecular consequence: missense variant.
Genome position (GRCh38, 1-based): chr1:208,054,423, C>T on the plus strand (G>A on the coding strand, the complement: PLXNA2 is on the minus strand). VCF-style: chr1-208054423-C-T. GRCh37 (hg19) VCF-style: chr1-208227768-C-T.
Other names: c.2854G>A (NM_025179.3); short protein forms V952M.
Identifiers: ClinVar variation 1387512 (VCV001387512.12), dbSNP rs145943288, ClinGen allele CA1373386.

ClinVar aggregate classification (germline): Uncertain significance. Review status: criteria provided, multiple submitters, no conflicts (2 of 4 stars). 3 submissions from 3 submitters: Uncertain significance (3). Last evaluated 2025-10-15.

Conditions:
PLXNA2-related disorder. Also called: PLXNA2-related condition.

Allele frequency attached by ClinVar (database versions not stated): ExAC 0.00004; gnomAD exomes 0.00004; ESP Exome Variant Server 0.00015; 1000 Genomes Project 30x 0.00016; 1000 Genomes Project 0.00020.
gnomAD v4.1: 66 of 1,608,196 alleles (0.0041%); highest among the groups gnomAD compares: Non-Finnish European, 0.0053%; no homozygotes.

Submissions (3):

PreventionGenetics, part of Exact Sciences
Classification: Uncertain significance for PLXNA2-related condition. Last evaluated: 2025-10-15. Review status: criteria provided, single submitter. Criteria: ACMG Guidelines, 2015. Collection method: clinical testing. Allele origin: germline.
Comment: The PLXNA2 c.2854G>A variant is predicted to result in the amino acid substitution p.Val952Met. To our knowledge, this variant has not been reported in the literature. This variant is reported in 0.0062% of alleles in individuals of European (Non-Finnish) descent in gnomAD. At this time, the clinical significance of this variant is uncertain due to the absence of conclusive functional and genetic evidence.

Labcorp Genetics (formerly Invitae), Labcorp
Classification: Uncertain significance. Last evaluated: 2025-09-02. Review status: criteria provided, single submitter. Criteria: Invitae Variant Classification Sherloc (09022015). Collection method: clinical testing. Allele origin: germline.
Comment: This sequence change replaces valine, which is neutral and non-polar, with methionine, which is neutral and non-polar, at codon 952 of the PLXNA2 protein (p.Val952Met). This variant is present in population databases (rs145943288, gnomAD 0.006%). This variant has not been reported in the literature in individuals affected with PLXNA2-related conditions. ClinVar contains an entry for this variant (Variation ID: 1387512). An algorithm developed to predict the effect of missense changes on protein structure and function (PolyPhen-2) suggests that this variant is likely to be disruptive. In summary, the available evidence is currently insufficient to determine the role of this variant in disease. Therefore, it has been classified as a Variant of Uncertain Significance.

Ambry Genetics
Classification: Uncertain significance. Last evaluated: 2024-12-04. Review status: criteria provided, single submitter. Criteria: Ambry Variant Classification Scheme 2023. Collection method: clinical testing. Allele origin: germline.